The following is an entry in ClinVar:

NM_017654.4(SAMD9):c.649A>G (p.Asn217Asp)

Gene: SAMD9 (sterile alpha motif domain containing 9; minus strand). Cytogenetic location: 7q21.2.
Variant type: single nucleotide variant.
Coding change: c.649A>G on transcript NM_017654.4 (MANE Select); coding-DNA position 649, A replaced by G.
Protein change: p.Asn217Asp; replaces asparagine 217 with aspartic acid.
Molecular consequence: missense variant.
Genome position (GRCh38, 1-based): chr7:93,105,449, T>C on the plus strand (A>G on the coding strand, the complement: SAMD9 is on the minus strand). VCF-style: chr7-93105449-T-C. GRCh37 (hg19) VCF-style: chr7-92734762-T-C.
Other names: c.649A>G, p.Asn217Asp (NM_001193307.2); short protein forms N217D.
Identifiers: ClinVar variation 3949672 (VCV003949672.1).
Genomic context (GRCh38, chr7:93,105,449, plus strand): 5'-AATGAATAGTGCCATTGGTACGTGAATTCATACAAGCTGAAGCAAATCGGAAAACCTCAT[T>C]GCTAAATTTCATCTTGACATCCTCTTCTGTGGCTGTTGCTGTATTTGTGAAGGCTTTGAA-3'
Protein context (NP_060124.2, residues 207-227): TEEDVKMKFS[Asn217Asp]EVFRFASACM

ClinVar aggregate classification (germline): Uncertain significance (1 of 4 stars; one submission).

Conditions:
Inborn genetic diseases. Identifiers: MedGen C0950123, MeSH D030342.

Submission:

Ambry Genetics
Classification: Uncertain significance for Inborn genetic diseases. Last evaluated: 2025-05-24. Review status: criteria provided, single submitter. Criteria: Ambry Variant Classification Scheme 2023. Collection method: clinical testing. Allele origin: germline.
Comment: The p.N217D variant (also known as c.649A>G), located in coding exon 1 of the SAMD9 gene, results from an A to G substitution at nucleotide position 649. The asparagine at codon 217 is replaced by aspartic acid, an amino acid with highly similar properties. This amino acid position is conserved. In addition, this alteration is predicted to be tolerated by in silico analysis. Based on the available evidence, the clinical significance of this variant remains unclear.